The following is an entry in ClinVar:

ClinVar aggregate classification (germline): Benign. Review status: criteria provided, single submitter (1 of 4 stars). 2 submissions from 2 submitters: Benign (1). 1 of the submissions does not count toward it. Last evaluated 2023-04-26.

Conditions:
CRYBA1-related disorder. Also called: CRYBA1-related condition.
Cataract 10 multiple types. Also called: CATARACT 10, CONGENITAL ZONULAR, WITH SUTURAL OPACITIES. Identifiers: Orphanet 91492, MedGen C1833229, MONDO:0010948, OMIM 600881.

Allele frequency attached by ClinVar (database versions not stated): gnomAD exomes 0.00004 and 0.00007; ExAC 0.00005; ESP Exome Variant Server 0.00015; gnomAD 0.00038 and 0.00044; TOPMed 0.00039.
gnomAD v4.1: 119 of 1,611,918 alleles (0.0074%); highest among the groups gnomAD compares: African/African-American, 0.12%; no homozygotes.

Submissions (2):

Labcorp Genetics (formerly Invitae), Labcorp
Classification: Benign for Cataract 10 multiple types. Last evaluated: 2023-04-26. Review status: criteria provided, single submitter. Criteria: Invitae Variant Classification Sherloc (09022015). Collection method: clinical testing. Allele origin: germline.

PreventionGenetics, part of Exact Sciences
Classification: Likely benign for CRYBA1-related condition. Last evaluated: 2023-07-12. Review status: no assertion criteria provided. Collection method: clinical testing. Allele origin: germline. Not counted in ClinVar's aggregate classification.
Comment: This variant is classified as likely benign based on ACMG/AMP sequence variant interpretation guidelines (Richards et al. 2015 PMID: 25741868, with internal and published modifications).

NM_005208.5(CRYBA1):c.75G>A (p.Pro25=)

Gene: CRYBA1 (crystallin beta A1; plus strand). Cytogenetic location: 17q11.2.
Variant type: single nucleotide variant.
Coding change: c.75G>A on transcript NM_005208.5 (MANE Select); coding-DNA position 75, G replaced by A.
Protein change: p.Pro25=; no amino-acid change (proline 25 retained).
Molecular consequence: synonymous variant.
Genome position (GRCh38, 1-based): chr17:29,249,185, G>A. VCF-style: chr17-29249185-G-A. GRCh37 (hg19) VCF-style: chr17-27576203-G-A.
Other names: c.75G>A (NM_005208.4).
Identifiers: ClinVar variation 1166238 (VCV001166238.9), dbSNP rs368469355, ClinGen allele CA8473654.